The following is an entry in ClinVar:

ClinVar aggregate classification (germline): Conflicting classifications of pathogenicity. Review status: criteria provided, conflicting classifications (1 of 4 stars). 3 submissions from 3 submitters: Uncertain significance (1); Likely benign (2). Last evaluated 2026-01-22.

Conditions:
Inborn genetic diseases. Identifiers: MedGen C0950123, MeSH D030342.

Allele frequency attached by ClinVar (database versions not stated): gnomAD 0.00007; gnomAD exomes 0.00011; TOPMed 0.00011; ExAC 0.00008.

Submissions (3):

Dasa
Classification: Uncertain significance. Last evaluated: 2026-01-22. Review status: criteria provided, single submitter. Criteria: DASA Assertion Criteria. Collection method: clinical testing. Allele origin: germline.
Comment: NM_001374828.1(ARID1B):c.4663A>G (p.Met1555Val) is a missense variant that results in the substitution of methionine with valine. This variant is rare in population databases. Computational prediction algorithms are consistent with a benign effect. The currently available literature and clinical evidence are not sufficient to establish a definitive association between this variant and the reported condition. Therefore, this variant is classified as a variant of uncertain significance.

Labcorp Genetics (formerly Invitae), Labcorp
Classification: Likely benign. Last evaluated: 2025-09-02. Review status: criteria provided, single submitter. Criteria: Invitae Variant Classification Sherloc (09022015). Collection method: clinical testing. Allele origin: germline.

Ambry Genetics
Classification: Likely benign for Inborn genetic diseases. Last evaluated: 2017-05-26. Review status: criteria provided, single submitter. Criteria: Ambry Variant Classification Scheme 2023. Collection method: clinical testing. Allele origin: germline.

NM_001374828.1(ARID1B):c.4663A>G (p.Met1555Val)

Gene: ARID1B (AT-rich interaction domain 1B; plus strand). Cytogenetic location: 6q25.3.
Variant type: single nucleotide variant.
Coding change: c.4663A>G on transcript NM_001374828.1 (MANE Select); coding-DNA position 4663, A replaced by G.
Protein change: p.Met1555Val; replaces methionine 1555 with valine.
Molecular consequence: missense variant.
Genome position (GRCh38, 1-based): chr6:157,200,888, A>G. VCF-style: chr6-157200888-A-G. GRCh37 (hg19) VCF-style: chr6-157522022-A-G.
Other names: c.4294A>G, p.Met1432Val (NM_020732.3); c.2164A>G, p.Met722Val (NM_001363725.2); c.4543A>G, p.Met1515Val (NM_001371656.1, NM_001374820.1); c.4504A>G, p.Met1502Val (NM_017519.3); short protein forms M1432V, M722V, M1502V, M1515V, M1555V.
Identifiers: ClinVar variation 589145 (VCV000589145.13), dbSNP rs745566888, ClinGen allele CA4067678.
Genomic context (GRCh38, chr6:157,200,888, plus strand): 5'-TCGGGCCCGGACCGCAGGCCCATCCAGGGCCAGTACCCGTATCCCTACAGCAGGGAGAGG[A>G]TGCAGGGCCCGGGGCAGATCCAGACACACGGAATCCCGCCTCAGATGATGGGCGGCCCGC-3'
Protein context (NP_001361757.1, residues 1545-1565): QYPYPYSRER[Met1555Val]QGPGQIQTHG